The following is an entry in ClinVar:

NM_006031.6(PCNT):c.4773C>T (p.Ile1591=)

Gene: PCNT (pericentrin; plus strand). Cytogenetic location: 21q22.3.
Variant type: single nucleotide variant.
Coding change: c.4773C>T on transcript NM_006031.6 (MANE Select); coding-DNA position 4773, C replaced by T.
Protein change: p.Ile1591=; no amino-acid change (isoleucine 1591 retained).
Molecular consequence: synonymous variant.
Genome position (GRCh38, 1-based): chr21:46,399,778, C>T. VCF-style: chr21-46399778-C-T. GRCh37 (hg19) VCF-style: chr21-47819692-C-T.
Other names: c.4419C>T, p.Ile1473= (NM_001315529.2); c.4773C>T (NM_006031.5).
Identifiers: ClinVar variation 3004643 (VCV003004643.5), dbSNP rs375111791, ClinGen allele CA10079765.
Genomic context (GRCh38, chr21:46,399,778, plus strand): 5'-CATCAACATCAGGAAAAAAGTGGCCCAGCTCCAGGAAGAAGTGGAAAAACAGAAAAACAT[C>T]GTGAAAGGGCTGGAACAGGTAAAGCGTCTCCATGTTGTGGTTGGGCACGTGGTGAGGTGT-3'
Protein context (NP_006022.3, residues 1581-1601): LQEEVEKQKN[Ile1591=]VKGLEQDKEV

ClinVar aggregate classification (germline): Likely benign. Review status: criteria provided, single submitter (1 of 4 stars). 2 submissions from 2 submitters: Likely benign (1). 1 of the submissions does not count toward it. Last evaluated 2025-12-24.

Conditions:
PCNT-related disorder. Also called: PCNT-related condition.

Allele frequency attached by ClinVar (database versions not stated): gnomAD 0.00004; ExAC 0.00002; ESP Exome Variant Server 0.00008.
gnomAD v4.1: 21 of 1,613,780 alleles (0.0013%); highest among the groups gnomAD compares: African/African-American, 0.0027%; no homozygotes.

Submissions (2):

Labcorp Genetics (formerly Invitae), Labcorp
Classification: Likely benign. Last evaluated: 2025-12-24. Review status: criteria provided, single submitter. Criteria: Invitae Variant Classification Sherloc (09022015). Collection method: clinical testing. Allele origin: germline.

PreventionGenetics, part of Exact Sciences
Classification: Likely benign for PCNT-related condition. Last evaluated: 2022-06-15. Review status: no assertion criteria provided. Collection method: clinical testing. Allele origin: germline. Not counted in ClinVar's aggregate classification.
Comment: This variant is classified as likely benign based on ACMG/AMP sequence variant interpretation guidelines (Richards et al. 2015 PMID: 25741868, with internal and published modifications).